The following is an entry in ClinVar:

NM_000166.6(GJB1):c.83T>C (p.Ile28Thr)

Gene: GJB1 (gap junction protein beta 1; plus strand). Cytogenetic location: Xq13.1.
Variant type: single nucleotide variant.
Coding change: c.83T>C on transcript NM_000166.6 (MANE Select); coding-DNA position 83, T replaced by C.
Protein change: p.Ile28Thr; replaces isoleucine 28 with threonine.
Molecular consequence: missense variant.
Genome position (GRCh38, 1-based): chrX:71,223,790, T>C. VCF-style: chrX-71223790-T-C. GRCh37 (hg19) VCF-style: chrX-70443640-T-C.
Other names: c.83T>C, p.Ile28Thr (NM_001097642.3); short protein forms I28T.
Identifiers: ClinVar variation 246094 (VCV000246094.13), dbSNP rs768834663, ClinGen allele CA10584633.

ClinVar aggregate classification (germline): Conflicting classifications of pathogenicity. Review status: criteria provided, conflicting classifications (1 of 4 stars). 4 submissions from 4 submitters: Likely pathogenic (2); Uncertain significance (1). 1 of the submissions does not count toward it. Last evaluated 2024-06-07.

Conditions:
Charcot-Marie-Tooth disease. Also called: Charcot-Marie-Tooth Neuropathy; Charcot-Marie-Tooth Hereditary Neuropathy. Identifiers: Orphanet 166, MedGen C0007959, MONDO:0015626.
Charcot-Marie-Tooth Neuropathy X. Identifiers: MedGen CN118851.
Charcot-Marie-Tooth disease X-linked dominant 1. Also called: CHARCOT-MARIE-TOOTH NEUROPATHY, X-LINKED, 1; CHARCOT-MARIE-TOOTH PERONEAL MUSCULAR ATROPHY, X-LINKED; HEREDITARY MOTOR AND SENSORY NEUROPATHY, X-LINKED; HMSN, X-LINKED; Charcot-Marie-Tooth Neuropathy X Type 1; X-linked Charcot-Marie-Tooth disease type 1. Identifiers: Orphanet 101075, MedGen C0393808, MONDO:0010549, OMIM 302800.

Submissions (4):

Pittsburgh Clinical Genomics Laboratory, University of Pittsburgh Medical Center
Classification: Likely pathogenic for Charcot-Marie-Tooth disease X-linked dominant 1. Last evaluated: 2024-06-07. Review status: criteria provided, single submitter. Criteria: ACMG Guidelines, 2015. Collection method: clinical testing. Allele origin: germline. Inheritance: X-linked dominant inheritance. Affected: yes.
Comment: This sequence variant is a single nucleotide substitution (T>C) at position 83 of the coding sequence of the GJB1 gene that results in an isoleucine to threonine amino acid change at residue 28 of the gap junction protein beta 1 protein. This residue falls within the connexin domain of the protein (UniProt). This is a previously reported variant (ClinVar 246094) that has been observed in families affected by X-linked Charcot-Marie-Tooth neuropathy (PMID: 9361298, 9818870). Other variants that disrupt this residue have been determined to be pathogenic (PMID: 9361298, ClinVar). This variant is absent from the gnomAD v4.1.0 population database (0/~1211000 alleles). Multiple bioinformatic tools predict that this amino acid change would be damaging, and the Ile28 residue at this position is highly conserved across the vertebrate species examined. Studies examining the functional consequence of this variant have not been performed, to our knowledge. Based upon the evidence, we consider this variant to be likely pathogenic. ACMG Criteria: PM2, PM5, PP2, PP3

Labcorp Genetics (formerly Invitae), Labcorp
Classification: Uncertain significance for Charcot-Marie-Tooth Neuropathy X. Last evaluated: 2019-09-28. Review status: criteria provided, single submitter. Criteria: Invitae Variant Classification Sherloc (09022015). Collection method: clinical testing. Allele origin: germline.
Comment: In summary, the available evidence is currently insufficient to determine the role of this variant in disease. Therefore, it has been classified as a Variant of Uncertain Significance. This variant disrupts the p.Ile28 amino acid residue in GJB1. Other variant(s) that disrupt this residue (p.Ile28Asn) have been determined to be pathogenic (PMID: 9361298, Invitae). This suggests that this residue is clinically significant, and that variants that disrupt this residue are likely to be disease-causing. Algorithms developed to predict the effect of missense changes on protein structure and function are either unavailable or do not agree on the potential impact of this missense change (SIFT: "Deleterious"; PolyPhen-2: "Benign"; Align-GVGD: "Class C0"). This variant has been observed in an individual affected with clinical features of Charcot-Marie-Tooth disease (PMID: 9818870). ClinVar contains an entry for this variant (Variation ID: 246094). This variant is not present in population databases (ExAC no frequency). This sequence change replaces isoleucine with threonine at codon 28 of the GJB1 protein (p.Ile28Thr). The isoleucine residue is moderately conserved and there is a moderate physicochemical difference between isoleucine and threonine.

GeneDx
Classification: Likely pathogenic. Last evaluated: 2016-12-21. Review status: criteria provided, single submitter. Criteria: GeneDx Variant Classification (06012015). Collection method: clinical testing. Allele origin: germline. Affected: yes.
Comment: A published I28T variant that is likely pathogenic has been identified in the GJB1 gene. The I28T variant has beenreported previously in individuals with Charcot-Marie-Tooth neuropathy (CMT) (Bone et al., 1997; Nicholson et al.,1998). It was not observed in approximately 6,500 individuals of European and African American ancestry in theNHLBI Exome Sequencing Project, indicating it is not a common benign variant in these populations. The I28Tvariant is a non-conservative amino acid substitution, which is likely to impact secondary protein structure as theseresidues differ in polarity, charge, size and/or other properties. This substitution occurs at a position where aminoacids with similar properties to Isoleucine are tolerated across species. It is predicted to occur within the firsttransmembrane domain of the GJB1 protein, and a different missense variant in the same codon (I28N) as well asmultiple missense variants in nearby residues have been reported in the Human Gene Mutation Database inassociation with CMT (Stenson et al., 2014), supporting the functional importance of this region of the protein. Insilico analysis predicts this variant is probably damaging to the protein structure/function. Therefore, this variant islikely pathogenic; however, the possibility that it is benign cannot be excluded.

Inherited Neuropathy Consortium
Classification: Uncertain significance for Charcot-Marie-Tooth disease. Review status: no assertion criteria provided. Collection method: literature only. Allele origin: germline. Affected: yes. Not counted in ClinVar's aggregate classification.

Literature cited by the submitters: PubMed 9818870 (cited by Pittsburgh Clinical Genomics Laboratory, University of Pittsburgh Medical Center and Labcorp Genetics (formerly Invitae), Labcorp); PubMed 9361298 (cited by 3 submitters).